The following is an entry in ClinVar:

ClinVar aggregate classification (germline): Uncertain significance. Review status: criteria provided, multiple submitters, no conflicts (2 of 4 stars). 2 submissions from 2 submitters: Uncertain significance (2). Last evaluated 2026-08-18.

Conditions:
Cardiovascular phenotype. Identifiers: MedGen CN230736.

Submissions (2):

Ambry Genetics
Classification: Uncertain significance for Cardiovascular phenotype. Last evaluated: 2026-08-18. Review status: criteria provided, single submitter. Criteria: Ambry Variant Classification Scheme 2023. Collection method: clinical testing. Allele origin: germline.
Comment: The c.12087+2T>C intronic variant results from a T to C substitution two nucleotides after coding exon 28 in the APOB gene. This nucleotide position is highly conserved in available vertebrate species. In silico splice site analysis predicts that this alteration may weaken the native splice donor site. This variant occurs at the 3' terminus of the gene, is not expected to trigger nonsense-mediated mRNAdecay, and impacts the last 13% of the protein. In addition, +2T>C variants are capable of generating wild-type transcripts in some genomic contexts and should be interpreted with caution (Lin JH et al. Hum Mutat. 2019 10;40:1856-1873). The exact functional effect of this variant is unknown. Based on the available evidence, the clinical significance of this variant remains unclear.

CeGaT Center for Human Genetics Tuebingen
Classification: Uncertain significance. Last evaluated: 2025-01-01. Review status: criteria provided, single submitter. Criteria: CeGaT Center For Human Genetics Tuebingen Variant Classification Criteria Version 2. Collection method: clinical testing. Allele origin: germline. Affected: yes. Observed: 1 variant allele.
Comment: APOB: PM2, PVS1:Moderate

NM_000384.3(APOB):c.12087+2T>C

Gene: APOB (apolipoprotein B; minus strand). Cytogenetic location: 2p24.1.
Variant type: single nucleotide variant.
Coding change: c.12087+2T>C on transcript NM_000384.3 (MANE Select); the canonical splice donor site of the intron after coding-DNA position 12087, T replaced by C.
Molecular consequence: splice donor variant.
Genome position (GRCh38, 1-based): chr2:21,004,267, A>G on the plus strand (T>C on the coding strand, the complement: APOB is on the minus strand). VCF-style: chr2-21004267-A-G. GRCh37 (hg19) VCF-style: chr2-21227139-A-G.
Identifiers: ClinVar variation 1749173 (VCV001749173.16), dbSNP rs2465353925, ClinGen allele CA345975058.